The following is an entry in ClinVar:

NM_000038.6(APC):c.6086C>T (p.Ser2029Phe)

Gene: APC (APC regulator of Wnt signaling pathway; plus strand). Cytogenetic location: 5q22.2.
Variant type: single nucleotide variant.
Coding change: c.6086C>T on transcript NM_000038.6 (MANE Select); coding-DNA position 6086, C replaced by T.
Protein change: p.Ser2029Phe; replaces serine 2029 with phenylalanine.
Molecular consequence: missense variant. On other transcripts: non-coding transcript variant (2).
Genome position (GRCh38, 1-based): chr5:112,841,680, C>T. VCF-style: chr5-112841680-C-T. GRCh37 (hg19) VCF-style: chr5-112177377-C-T.
Other names: c.6086C>T, p.Ser2029Phe (NM_001127510.3, NM_001354895.2, NM_001407450.1); c.6032C>T, p.Ser2011Phe (NM_001127511.3); c.6140C>T, p.Ser2047Phe (NM_001354896.2, NM_001407447.1, NM_001407448.1 and 1 more transcripts); c.6116C>T, p.Ser2039Phe (NM_001354897.2); c.6011C>T, p.Ser2004Phe (NM_001354898.2); c.6002C>T, p.Ser2001Phe (NM_001354899.2); c.5963C>T, p.Ser1988Phe (NM_001354900.2); c.5909C>T, p.Ser1970Phe (NM_001354901.2, NM_001407453.1); and 11 more; short protein forms S1903F, S1938F, S1946F, S2029F, S1988F, S2011F, S2057F, S1746F.
Identifiers: ClinVar variation 2994291 (VCV002994291.3), dbSNP rs2149956637, ClinGen allele CA16034655.

ClinVar aggregate classification (germline): Uncertain significance (1 of 4 stars; one submission).

Conditions:
Familial adenomatous polyposis 1 (FAP1). Also called: FAMILIAL ADENOMATOUS POLYPOSIS 1, ATTENUATED; POLYPOSIS, ADENOMATOUS INTESTINAL. Identifiers: MedGen C2713442, MONDO:0021056, OMIM 175100. Disease mechanism: loss of function.

Submission:

Labcorp Genetics (formerly Invitae), Labcorp
Classification: Uncertain significance for Familial adenomatous polyposis 1. Last evaluated: 2023-12-23. Review status: criteria provided, single submitter. Criteria: Invitae Variant Classification Sherloc (09022015). Collection method: clinical testing. Allele origin: germline.
Comment: This sequence change replaces serine, which is neutral and polar, with phenylalanine, which is neutral and non-polar, at codon 2029 of the APC protein (p.Ser2029Phe). This variant is not present in population databases (gnomAD no frequency). This variant has not been reported in the literature in individuals affected with APC-related conditions. Advanced modeling of protein sequence and biophysical properties (such as structural, functional, and spatial information, amino acid conservation, physicochemical variation, residue mobility, and thermodynamic stability) performed at Invitae indicates that this missense variant is not expected to disrupt APC protein function with a negative predictive value of 95%. In summary, the available evidence is currently insufficient to determine the role of this variant in disease. Therefore, it has been classified as a Variant of Uncertain Significance.